The following is an entry in ClinVar:

NM_130837.3(OPA1):c.3003dup (p.Glu1002fs)

Gene: OPA1 (OPA1 mitochondrial dynamin like GTPase; plus strand). Cytogenetic location: 3q29.
Variant type: Duplication.
Coding change: c.3003dup on transcript NM_130837.3 (MANE Select); coding-DNA position 3003, one base duplicated (A; older notation c.3003dupA).
Protein change: p.Glu1002fs; shifts the reading frame from glutamic acid 1002.
Molecular consequence: frameshift variant.
Genome position (GRCh38, 1-based): chr3:193,692,082, A duplicated; the last of 2 consecutive A bases (chr3:193,692,081-193,692,082); duplicating either gives the same sequence. VCF-style (leftmost placement, unchanged base first): chr3-193692080-C-CA. GRCh37 (hg19) VCF-style: chr3-193409869-C-CA.
Other names: c.2469dup, p.Glu824fs (NM_001354663.2); c.2466dup, p.Glu823fs (NM_001354664.2); c.2838dup, p.Glu947fs (NM_015560.3); c.2730dup, p.Glu911fs (NM_130831.3); c.2784dup, p.Glu929fs (NM_130832.3); c.2841dup, p.Glu948fs (NM_130833.3); c.2892dup, p.Glu965fs (NM_130834.3); c.2895dup, p.Glu966fs (NM_130835.3); and 1 more; short protein forms E911fs, E1002fs, E966fs, E984fs, E824fs, E929fs, E823fs, E947fs.
Identifiers: ClinVar variation 1394309 (VCV001394309.6), dbSNP rs2109460493, ClinGen allele CA2573136862.

ClinVar aggregate classification (germline): Pathogenic (1 of 4 stars; one submission).

Submission:

Labcorp Genetics (formerly Invitae), Labcorp
Classification: Pathogenic. Last evaluated: 2022-04-06. Review status: criteria provided, single submitter. Criteria: Invitae Variant Classification Sherloc (09022015). Collection method: clinical testing. Allele origin: germline.
Comment: For these reasons, this variant has been classified as Pathogenic. This variant disrupts a region of the OPA1 protein in which other variant(s) (p.Asp950Cysfs*4) have been determined to be pathogenic (PMID: 17188070). This suggests that this is a clinically significant region of the protein, and that variants that disrupt it are likely to be disease-causing. This variant has not been reported in the literature in individuals affected with OPA1-related conditions. This variant is not present in population databases (gnomAD no frequency). This sequence change creates a premature translational stop signal (p.Glu947Argfs*4) in the OPA1 gene. While this is not anticipated to result in nonsense mediated decay, it is expected to disrupt the last 14 amino acid(s) of the OPA1 protein.

Literature cited by the submitters: PubMed 17188070.